The following is an entry in ClinVar:

ClinVar aggregate classification (germline): Likely pathogenic (1 of 4 stars; one submission).

Submission:

Labcorp Genetics (formerly Invitae), Labcorp
Classification: Likely pathogenic. Last evaluated: 2022-11-08. Review status: criteria provided, single submitter. Criteria: Invitae Variant Classification Sherloc (09022015). Collection method: clinical testing. Allele origin: germline.
Comment: Advanced modeling of protein sequence and biophysical properties (such as structural, functional, and spatial information, amino acid conservation, physicochemical variation, residue mobility, and thermodynamic stability) performed at Invitae indicates that this missense variant is expected to disrupt USH2A protein function. In summary, the currently available evidence indicates that the variant is pathogenic, but additional data are needed to prove that conclusively. Therefore, this variant has been classified as Likely Pathogenic. This variant disrupts the p.Cys577 amino acid residue in USH2A. Other variant(s) that disrupt this residue have been determined to be pathogenic (PMID: 24944099, 25558175). This suggests that this residue is clinically significant, and that variants that disrupt this residue are likely to be disease-causing. This variant has not been reported in the literature in individuals affected with USH2A-related conditions. This variant is not present in population databases (gnomAD no frequency). This sequence change replaces cysteine, which is neutral and slightly polar, with tyrosine, which is neutral and polar, at codon 577 of the USH2A protein (p.Cys577Tyr).

Literature cited by the submitters: PubMed 24944099; PubMed 25558175.

NM_206933.4(USH2A):c.1730G>A (p.Cys577Tyr)

Gene: USH2A (usherin; minus strand). Cytogenetic location: 1q41.
Variant type: single nucleotide variant.
Coding change: c.1730G>A on transcript NM_206933.4 (MANE Select); coding-DNA position 1730, G replaced by A.
Protein change: p.Cys577Tyr; replaces cysteine 577 with tyrosine.
Molecular consequence: missense variant.
Genome position (GRCh38, 1-based): chr1:216,292,285, C>T on the plus strand (G>A on the coding strand, the complement: USH2A is on the minus strand). VCF-style: chr1-216292285-C-T. GRCh37 (hg19) VCF-style: chr1-216465627-C-T.
Other names: c.1730G>A, p.Cys577Tyr (NM_007123.6); short protein forms C577Y.
Identifiers: ClinVar variation 2044066 (VCV002044066.4), dbSNP rs2528256644, ClinGen allele CA344903239.